The following is an entry in ClinVar:

NM_015512.5(DNAH1):c.1255C>G (p.Leu419Val)

Gene: DNAH1 (dynein axonemal heavy chain 1; plus strand). Cytogenetic location: 3p21.1.
Variant type: single nucleotide variant.
Coding change: c.1255C>G on transcript NM_015512.5 (MANE Select); coding-DNA position 1255, C replaced by G.
Protein change: p.Leu419Val; replaces leucine 419 with valine.
Molecular consequence: missense variant.
Genome position (GRCh38, 1-based): chr3:52,332,363, C>G. VCF-style: chr3-52332363-C-G. GRCh37 (hg19) VCF-style: chr3-52366379-C-G.
Other names: short protein forms L419V.
Identifiers: ClinVar variation 1520309 (VCV001520309.8), dbSNP rs1386162482, ClinGen allele CA353082328.

ClinVar aggregate classification (germline): Uncertain significance (1 of 4 stars; one submission).

Conditions:
Spermatogenic failure 18. Identifiers: MedGen C4539783, MONDO:0054615, OMIM 617576.
Ciliary dyskinesia, primary, 37 (CILD37). Also called: CILIARY DYSKINESIA, PRIMARY, 37, WITH OR WITHOUT SITUS INVERSUS. Identifiers: MedGen C4539798, MONDO:0033204, OMIM 617577.

Allele frequency attached by ClinVar (database versions not stated): TOPMed below 0.00001.

Submission:

Labcorp Genetics (formerly Invitae), Labcorp
Classification: Uncertain significance for Ciliary dyskinesia, primary, 37; Spermatogenic failure 18. Last evaluated: 2021-03-26. Review status: criteria provided, single submitter. Criteria: Invitae Variant Classification Sherloc (09022015). Collection method: clinical testing. Allele origin: germline.
Comment: In summary, the available evidence is currently insufficient to determine the role of this variant in disease. Therefore, it has been classified as a Variant of Uncertain Significance. Algorithms developed to predict the effect of sequence changes on RNA splicing suggest that this variant may create or strengthen a splice site, but this prediction has not been confirmed by published transcriptional studies. Algorithms developed to predict the effect of missense changes on protein structure and function output the following: SIFT: "Deleterious"; PolyPhen-2: "Benign"; Align-GVGD: "Class C0". The valine amino acid residue is found in multiple mammalian species, suggesting that this missense change does not adversely affect protein function. These predictions have not been confirmed by published functional studies and their clinical significance is uncertain. This variant has not been reported in the literature in individuals with DNAH1-related conditions. This variant is not present in population databases (ExAC no frequency). This sequence change replaces leucine with valine at codon 419 of the DNAH1 protein (p.Leu419Val). The leucine residue is moderately conserved and there is a small physicochemical difference between leucine and valine.